The following is an entry in ClinVar:

NM_001123385.2(BCOR):c.570C>G (p.Pro190=)

Genes: BCOR (BCL6 corepressor; minus strand), LOC126863239 (MED14-independent group 3 enhancer GRCh37_chrX:39932994-39934193; plus strand). Cytogenetic location: Xp11.4.
Variant type: single nucleotide variant.
Coding change: c.570C>G on transcript NM_001123385.2 (MANE Select); coding-DNA position 570, C replaced by G.
Protein change: p.Pro190=; no amino-acid change (proline 190 retained).
Molecular consequence: synonymous variant.
Genome position (GRCh38, 1-based): chrX:40,074,776, G>C on the plus strand (C>G on the coding strand, the complement: BCOR is on the minus strand). VCF-style: chrX-40074776-G-C. GRCh37 (hg19) VCF-style: chrX-39934029-G-C.
Other names: c.570C>G, p.Pro190= (NM_001123383.2, NM_001123384.2, NM_001437510.1 and 4 more transcripts).
Identifiers: ClinVar variation 4822109 (VCV004822109.4).

ClinVar aggregate classification (germline): Likely benign (1 of 4 stars; one submission).

Submission:

CeGaT Center for Human Genetics Tuebingen
Classification: Likely benign. Last evaluated: 2026-03-01. Review status: criteria provided, single submitter. Criteria: CeGaT Center For Human Genetics Tuebingen Variant Classification Criteria Version 2. Collection method: clinical testing. Allele origin: germline. Affected: yes. Observed: 1 variant allele.
Comment: BCOR: BP4, BP7